The following is an entry in ClinVar:

ClinVar aggregate classification (germline): Pathogenic (1 of 4 stars; one submission).

Conditions:
Neurodevelopmental disorder with or without hyperkinetic movements and seizures, autosomal dominant. Also called: Intellectual disability, autosomal dominant 8. Identifiers: MedGen C3280282, MONDO:0013655, OMIM 614254.

Submission:

Labcorp Genetics (formerly Invitae), Labcorp
Classification: Pathogenic for Neurodevelopmental disorder with or without hyperkinetic movements and seizures, autosomal dominant. Last evaluated: 2024-04-10. Review status: criteria provided, single submitter. Criteria: Invitae Variant Classification Sherloc (09022015). Collection method: clinical testing. Allele origin: germline.
Comment: This sequence change creates a premature translational stop signal (p.Tyr245Leufs*98) in the GRIN1 gene. It is expected to result in an absent or disrupted protein product. Loss-of-function variants in GRIN1 are known to be pathogenic (PMID: 27164704, 35393335). This variant is not present in population databases (gnomAD no frequency). This variant has not been reported in the literature in individuals affected with GRIN1-related conditions. For these reasons, this variant has been classified as Pathogenic.

Literature cited by the submitters: PubMed 27164704; PubMed 35393335.

NM_007327.4(GRIN1):c.733dup (p.Tyr245fs)

Gene: GRIN1 (glutamate ionotropic receptor NMDA type subunit 1; plus strand). Cytogenetic location: 9q34.3.
Variant type: Duplication.
Coding change: c.733dup on transcript NM_007327.4 (MANE Select); coding-DNA position 733, one base duplicated (T; older notation c.733dupT).
Protein change: p.Tyr245fs; shifts the reading frame from tyrosine 245.
Molecular consequence: frameshift variant.
Genome position (GRCh38, 1-based): chr9:137,156,730, T duplicated. VCF-style (leftmost placement, unchanged base first): chr9-137156729-G-GT. GRCh37 (hg19) VCF-style: chr9-140051181-G-GT.
Other names: c.733dup, p.Tyr245fs (NM_000832.7, NM_021569.4); c.796dup, p.Tyr266fs (NM_001185090.2, NM_001185091.2); short protein forms Y245fs, Y266fs.
Identifiers: ClinVar variation 3649450 (VCV003649450.2).